The following is an entry in ClinVar:

NM_000601.6(HGF):c.1450G>A (p.Val484Ile)

Gene: HGF (hepatocyte growth factor; minus strand). Cytogenetic location: 7q21.11.
Variant type: single nucleotide variant.
Coding change: c.1450G>A on transcript NM_000601.6 (MANE Select); coding-DNA position 1450, G replaced by A.
Protein change: p.Val484Ile; replaces valine 484 with isoleucine.
Molecular consequence: missense variant.
Genome position (GRCh38, 1-based): chr7:81,710,238, C>T on the plus strand (G>A on the coding strand, the complement: HGF is on the minus strand). VCF-style: chr7-81710238-C-T. GRCh37 (hg19) VCF-style: chr7-81339554-C-T.
Other names: c.1435G>A, p.Val479Ile (NM_001010932.3); short protein forms V479I, V484I.
Identifiers: ClinVar variation 3257052 (VCV003257052.17).

ClinVar aggregate classification (germline): Uncertain significance (1 of 4 stars; one submission).

gnomAD v4.1: 54 of 1,609,426 alleles (0.0034%); highest among the groups gnomAD compares: East Asian, 0.013%; no homozygotes.

Submission:

CeGaT Center for Human Genetics Tuebingen
Classification: Uncertain significance. Last evaluated: 2024-07-01. Review status: criteria provided, single submitter. Criteria: CeGaT Center For Human Genetics Tuebingen Variant Classification Criteria Version 2. Collection method: clinical testing. Allele origin: germline. Affected: yes. Observed: 1 variant allele.
Comment: HGF: PM2